The following is an entry in ClinVar:

NM_004736.4(XPR1):c.1935G>A (p.Met645Ile)

Gene: XPR1 (xenotropic and polytropic retrovirus receptor 1; plus strand). Cytogenetic location: 1q25.3.
Variant type: single nucleotide variant.
Coding change: c.1935G>A on transcript NM_004736.4 (MANE Select); coding-DNA position 1935, G replaced by A.
Protein change: p.Met645Ile; replaces methionine 645 with isoleucine.
Molecular consequence: missense variant. On other transcripts: non-coding transcript variant (1).
Genome position (GRCh38, 1-based): chr1:180,880,202, G>A. VCF-style: chr1-180880202-G-A. GRCh37 (hg19) VCF-style: chr1-180849338-G-A.
Other names: c.1740G>A, p.Met580Ile (NM_001135669.2); short protein forms M645I, M580I.
Identifiers: ClinVar variation 3696498 (VCV003696498.2).

ClinVar aggregate classification (germline): Uncertain significance (1 of 4 stars; one submission).

gnomAD v4.1: 37 of 1,614,202 alleles (0.0023%); highest among the groups gnomAD compares: Non-Finnish European, 0.0031%; no homozygotes.

Submission:

Labcorp Genetics (formerly Invitae), Labcorp
Classification: Uncertain significance. Last evaluated: 2024-11-18. Review status: criteria provided, single submitter. Criteria: Invitae Variant Classification Sherloc (09022015). Collection method: clinical testing. Allele origin: germline.
Comment: This sequence change replaces methionine, which is neutral and non-polar, with isoleucine, which is neutral and non-polar, at codon 645 of the XPR1 protein (p.Met645Ile). This variant is not present in population databases (gnomAD no frequency). This variant has not been reported in the literature in individuals affected with XPR1-related conditions. An algorithm developed to predict the effect of missense changes on protein structure and function (PolyPhen-2) suggests that this variant is likely to be tolerated. In summary, the available evidence is currently insufficient to determine the role of this variant in disease. Therefore, it has been classified as a Variant of Uncertain Significance.